The following is an entry in ClinVar:

NM_004380.3(CREBBP):c.5551C>T (p.Arg1851Cys)

Gene: CREBBP (CREB binding protein; minus strand). Cytogenetic location: 16p13.3.
Variant type: single nucleotide variant.
Coding change: c.5551C>T on transcript NM_004380.3 (MANE Select); coding-DNA position 5551, C replaced by T.
Protein change: p.Arg1851Cys; replaces arginine 1851 with cysteine.
Molecular consequence: missense variant.
Genome position (GRCh38, 1-based): chr16:3,729,496, G>A on the plus strand (C>T on the coding strand, the complement: CREBBP is on the minus strand). VCF-style: chr16-3729496-G-A. GRCh37 (hg19) VCF-style: chr16-3779497-G-A.
Other names: c.5437C>T, p.Arg1813Cys (NM_001079846.1); short protein forms R1851C, R1813C.
Identifiers: ClinVar variation 432137 (VCV000432137.5), dbSNP rs763253161, ClinGen allele CA7869272.

ClinVar aggregate classification (germline): Conflicting classifications of pathogenicity. Review status: criteria provided, conflicting classifications (1 of 4 stars). 2 submissions from 2 submitters: Likely pathogenic (1); Uncertain significance (1). Last evaluated 2019-06-06.

Conditions:
Inborn genetic diseases. Identifiers: MedGen C0950123, MeSH D030342.

Allele frequency attached by ClinVar (database versions not stated): gnomAD exomes below 0.00001; ExAC 0.00001.
gnomAD v4.1: 4 of 1,614,192 alleles (0.00025%); highest among the groups gnomAD compares: Non-Finnish European, 0.00025%; no homozygotes.

Submissions (2):

Ambry Genetics
Classification: Uncertain significance for Inborn genetic diseases. Last evaluated: 2019-06-06. Review status: criteria provided, single submitter. Criteria: Ambry exome assertion method (8-5-2015). Collection method: clinical testing. Allele origin: germline. Affected: yes. Observed: 1 variant allele.

GeneDx
Classification: Likely pathogenic. Last evaluated: 2016-04-06. Review status: criteria provided, single submitter. Criteria: GeneDx Variant Classification (06012015). Collection method: clinical testing. Allele origin: germline. Affected: yes.
Comment: The R1851C variant in the CREBBP gene has not been reported previously as a pathogenic variant, nor as a benign variant, to our knowledge. The R1851C variant was not observed in approximately 6500 individuals of European and African American ancestry in the NHLBI Exome Sequencing Project, indicating it is not a common benign variant in these populations. The R1851C variant is a non-conservative amino acid substitution, which is likely to impact secondary protein structure as these residues differ in polarity, charge, size and/or other properties. This substitution occurs at a position where amino acids with similar properties to Arginine are tolerated across species. In silico analysis predicts this variant is probably damaging to the protein structure/function. The R1851C variant is a strong candidate for a pathogenic variant, however the possibility it may be a rare benign variant cannot be excluded.